The following is an entry in ClinVar:

ClinVar aggregate classification (germline): Conflicting classifications of pathogenicity. Review status: criteria provided, conflicting classifications (1 of 4 stars). 3 submissions from 3 submitters: Uncertain significance (2); Likely benign (1). Last evaluated 2026-01-27.

Conditions:
Hereditary cancer-predisposing syndrome. Also called: Tumor predisposition; Hereditary neoplastic syndrome; Neoplastic Syndromes, Hereditary; Hereditary Cancer Syndrome. Identifiers: Orphanet 140162, MedGen C0027672, MeSH D009386, MONDO:0015356.
Familial meningioma. Also called: Meningioma, familial, susceptibility to. Identifiers: Orphanet 263662, MedGen C3551915, MONDO:0011789, OMIM 607174.

Allele frequency attached by ClinVar (database versions not stated): TOPMed 0.00001; ExAC 0.00002; gnomAD exomes 0.00002 and 0.00003.
gnomAD v4.1: 9 of 1,613,962 alleles (0.00056%); highest among the groups gnomAD compares: Admixed American, 0.012%; no homozygotes.

Submissions (3):

Labcorp Genetics (formerly Invitae), Labcorp
Classification: Uncertain significance for Familial meningioma. Last evaluated: 2026-01-27. Review status: criteria provided, single submitter. Criteria: Invitae Variant Classification Sherloc (09022015). Collection method: clinical testing. Allele origin: germline.
Comment: This sequence change replaces methionine, which is neutral and non-polar, with threonine, which is neutral and polar, at codon 340 of the SMARCE1 protein (p.Met340Thr). This variant is present in population databases (rs746602244, gnomAD 0.02%). This variant has not been reported in the literature in individuals affected with SMARCE1-related conditions. ClinVar contains an entry for this variant (Variation ID: 818265). Invitae Evidence Modeling of protein sequence and biophysical properties (such as structural, functional, and spatial information, amino acid conservation, physicochemical variation, residue mobility, and thermodynamic stability) indicates that this missense variant is not expected to disrupt SMARCE1 protein function with a negative predictive value of 80%. In summary, the available evidence is currently insufficient to determine the role of this variant in disease. Therefore, it has been classified as a Variant of Uncertain Significance.

GeneDx
Classification: Uncertain significance. Last evaluated: 2024-03-15. Review status: criteria provided, single submitter. Criteria: GeneDx Variant Classification Process June 2021. Collection method: clinical testing. Allele origin: germline. Affected: yes.
Comment: In silico analysis supports that this missense variant does not alter protein structure/function; Has not been previously published as pathogenic or benign to our knowledge; This variant is associated with the following publications: (PMID: 19245665)

Ambry Genetics
Classification: Likely benign for Hereditary cancer-predisposing syndrome. Last evaluated: 2024-02-12. Review status: criteria provided, single submitter. Criteria: Ambry Variant Classification Scheme 2023. Collection method: clinical testing. Allele origin: germline.

NM_003079.5(SMARCE1):c.1019T>C (p.Met340Thr)

Gene: SMARCE1 (SWI/SNF related BAF chromatin remodeling complex subunit E1; minus strand). Cytogenetic location: 17q21.2.
Variant type: single nucleotide variant.
Coding change: c.1019T>C on transcript NM_003079.5 (MANE Select); coding-DNA position 1019, T replaced by C.
Protein change: p.Met340Thr; replaces methionine 340 with threonine.
Molecular consequence: missense variant.
Genome position (GRCh38, 1-based): chr17:40,630,722, A>G on the plus strand (T>C on the coding strand, the complement: SMARCE1 is on the minus strand). VCF-style: chr17-40630722-A-G. GRCh37 (hg19) VCF-style: chr17-38786974-A-G.
Other names: short protein forms M340T.
Identifiers: ClinVar variation 818265 (VCV000818265.15), dbSNP rs746602244, ClinGen allele CA8545112.